The following is an entry in ClinVar:

ClinVar aggregate classification (germline): Likely benign. Review status: reviewed by expert panel (3 of 4 stars). 4 submissions from 4 submitters: Likely benign (1). 3 of the submissions do not count toward it. Last evaluated 2017-06-29.

Conditions:
Hereditary breast ovarian cancer syndrome. Also called: Hereditary breast and ovarian cancer; Hereditary breast and ovarian cancer syndrome; Breast and ovarian cancer; Hereditary breast and ovarian cancer syndrome (HBOC); Hereditary breast and/or ovarian cancer syndrome; BRCA1- and BRCA2-Associated Hereditary Breast and Ovarian Cancer. Identifiers: Orphanet 145, MedGen C0677776, MeSH D061325, MONDO:0003582. Disease mechanism: loss of function.
Hereditary cancer-predisposing syndrome. Also called: Hereditary Cancer Syndrome; Neoplastic Syndromes, Hereditary; Tumor predisposition; Hereditary neoplastic syndrome. Identifiers: Orphanet 140162, MedGen C0027672, MeSH D009386, MONDO:0015356.
Breast-ovarian cancer, familial, susceptibility to, 2 (BROVCA2). Also called: BRCA2 Hereditary Breast and Ovarian Cancer. Identifiers: Orphanet 145, MedGen C2675520, MONDO:0012933, OMIM 612555. Disease mechanism: loss of function.

Submissions (4):

Evidence-based Network for the Interpretation of Germline Mutant Alleles (ENIGMA)
Classification: Likely benign for Breast-ovarian cancer, familial, susceptibility to, 2. Last evaluated: 2017-06-29. Review status: reviewed by expert panel. Criteria: ENIGMA BRCA1/2 Classification Criteria (2017-06-29). Collection method: curation. Allele origin: germline.
Comment: Synonymous substitution variant, with low bioinformatic likelihood to result in a splicing aberration (Splicing prior probability 0.02).

Labcorp Genetics (formerly Invitae), Labcorp
Classification: Likely benign for Hereditary breast ovarian cancer syndrome. Last evaluated: 2024-06-28. Review status: criteria provided, single submitter. Criteria: Invitae Variant Classification Sherloc (09022015). Collection method: clinical testing. Allele origin: germline. Not counted in ClinVar's aggregate classification.

Color Diagnostics, LLC DBA Color Health
Classification: Likely benign for Hereditary cancer-predisposing syndrome. Last evaluated: 2017-10-23. Review status: criteria provided, single submitter. Criteria: ACMG Guidelines, 2015. Collection method: clinical testing. Allele origin: germline. Not counted in ClinVar's aggregate classification.

Ambry Genetics
Classification: Likely benign for Hereditary cancer-predisposing syndrome. Last evaluated: 2014-12-31. Review status: criteria provided, single submitter. Criteria: Ambry Variant Classification Scheme 2023. Collection method: clinical testing. Allele origin: germline. Not counted in ClinVar's aggregate classification.

NM_000059.4(BRCA2):c.6531T>C (p.Ile2177=)

Gene: BRCA2 (BRCA2 DNA repair associated; plus strand). Cytogenetic location: 13q13.1.
Variant type: single nucleotide variant.
Coding change: c.6531T>C on transcript NM_000059.4 (MANE Select); coding-DNA position 6531, T replaced by C.
Protein change: p.Ile2177=; no amino-acid change (isoleucine 2177 retained).
Molecular consequence: synonymous variant.
Genome position (GRCh38, 1-based): chr13:32,340,886, T>C. VCF-style: chr13-32340886-T-C. GRCh37 (hg19) VCF-style: chr13-32915023-T-C.
Identifiers: ClinVar variation 186052 (VCV000186052.18), dbSNP rs587780658, ClinGen allele CA024140.